The following is an entry in ClinVar:

NM_206933.4(USH2A):c.252T>G (p.Cys84Trp)

Gene: USH2A (usherin; minus strand). Cytogenetic location: 1q41.
Variant type: single nucleotide variant.
Coding change: c.252T>G on transcript NM_206933.4 (MANE Select); coding-DNA position 252, T replaced by G.
Protein change: p.Cys84Trp; replaces cysteine 84 with tryptophan.
Molecular consequence: missense variant.
Genome position (GRCh38, 1-based): chr1:216,422,085, A>C on the plus strand (T>G on the coding strand, the complement: USH2A is on the minus strand). VCF-style: chr1-216422085-A-C. GRCh37 (hg19) VCF-style: chr1-216595427-A-C.
Other names: c.252T>G, p.Cys84Trp (NM_007123.6); short protein forms C84W.
Identifiers: ClinVar variation 2507273 (VCV002507273.1), dbSNP rs2039687530, ClinGen allele CA344904366.

ClinVar aggregate classification (germline): Uncertain significance (1 of 4 stars; one submission).

Submission:

GeneDx
Classification: Uncertain significance. Last evaluated: 2022-12-28. Review status: criteria provided, single submitter. Criteria: GeneDx Variant Classification Process June 2021. Collection method: clinical testing. Allele origin: germline. Affected: yes.
Comment: Not observed at significant frequency in large population cohorts (gnomAD); In silico analysis supports that this missense variant has a deleterious effect on protein structure/function; Has not been previously published as pathogenic or benign to our knowledge